The following is an entry in ClinVar:

ClinVar aggregate classification (germline): Likely pathogenic (1 of 4 stars; one submission).

Conditions:
Rubinstein-Taybi syndrome due to CREBBP mutations (RSTS1). Also called: BROAD THUMBS AND GREAT TOES, CHARACTERISTIC FACIES, AND IMPAIRED INTELLECTUAL DEVELOPMENT; CREBBP-Related Rubinstein-Taybi Syndrome; BROAD THUMB-HALLUX SYNDROME; Rubinstein-Taybi syndrome 1; RUBINSTEIN SYNDROME; RUBINSTEIN-TAYBI SYNDROME 1, INCOMPLETE. Identifiers: Orphanet 353277, Orphanet 783, MedGen C4551859, MONDO:0008393, OMIM 180849.

Submission:

Women's Health and Genetics/Laboratory Corporation of America, LabCorp
Classification: Likely pathogenic for Rubinstein-Taybi syndrome due to CREBBP mutations. Last evaluated: 2024-12-27. Review status: criteria provided, single submitter. Criteria: LabCorp Variant Classification Summary - May 2015. Collection method: clinical testing. Allele origin: germline.
Comment: Variant summary: CREBBP c.5197T>G (p.Tyr1733Asp) results in a non-conservative amino acid change located in the ZZ-type Zinc finger domain (IPR000433) of the encoded protein sequence. Four of five in-silico tools predict a damaging effect of the variant on protein function. The variant was absent in 1602942 control chromosomes (gnomAD v4.1). To our knowledge, no experimental evidence demonstrating an impact on protein function has been reported. No submitters have cited clinical-significance assessments for this variant to ClinVar. Based on the evidence outlined above, the variant was classified as likely pathogenic.

NM_004380.3(CREBBP):c.5197T>G (p.Tyr1733Asp)

Gene: CREBBP (CREB binding lysine acetyltransferase; minus strand). Cytogenetic location: 16p13.3.
Variant type: single nucleotide variant.
Coding change: c.5197T>G on transcript NM_004380.3 (MANE Select); coding-DNA position 5197, T replaced by G.
Protein change: p.Tyr1733Asp; replaces tyrosine 1733 with aspartic acid.
Molecular consequence: missense variant.
Genome position (GRCh38, 1-based): chr16:3,729,850, A>C on the plus strand (T>G on the coding strand, the complement: CREBBP is on the minus strand). VCF-style: chr16-3729850-A-C. GRCh37 (hg19) VCF-style: chr16-3779851-A-C.
Other names: c.5083T>G, p.Tyr1695Asp (NM_001079846.1); short protein forms Y1695D, Y1733D.
Identifiers: ClinVar variation 3768131 (VCV003768131.1).